The following is an entry in ClinVar:

ClinVar aggregate classification (germline): Uncertain significance. Review status: reviewed by expert panel (3 of 4 stars). 3 submissions from 3 submitters: Uncertain significance (1). 2 of the submissions do not count toward it. Last evaluated 2024-08-07.

Conditions:
Centronuclear myopathy (CNM). Also called: Myotubular myopathy; Centronuclear myopathy, congenital. Identifiers: Orphanet 595, MedGen C0175709, MONDO:0018947. Inheritance: All.
Severe X-linked myotubular myopathy (CNMX). Also called: MYOTUBULAR MYOPATHY 1; X-linked centronuclear myopathy; Myotubular myopathy, X-linked. Identifiers: Orphanet 596, MedGen C0410203, MONDO:0010683, OMIM 310400.

Submissions (3):

ClinGen Congenital Myopathies Variant Curation Expert Panel, ClinGen
Classification: Uncertain significance for Centronuclear myopathy. Last evaluated: 2024-08-07. Review status: reviewed by expert panel. Criteria: ClinGen CongenMyopathy ACMG Specifications MTM1 V1.0.0. Collection method: curation. Allele origin: germline. Inheritance: X-linked inheritance.
Comment: The c.137-7T>G variant in MTM1 is located in the 3’ non-canonical splice site of intron 3. This variant is absent from gnomAD v4.1.0 (PM2_Supporting). The computational predictor Splice AI gives a score of 0.55, which is above the threshold of 0.5, suggesting impact on splicing (PP3). In summary, this variant meets the criteria to be classified as uncertain significance for X-linked centronuclear myopathy based on the ACMG/AMP criteria applied, as specified by the ClinGen Congenital Myopathies VCEP: PM2_Supporting, PP3. (Congenital Myopathies VCEP specifications Version 1: 8/7/2024).

Labcorp Genetics (formerly Invitae), Labcorp
Classification: Uncertain significance for Severe X-linked myotubular myopathy. Last evaluated: 2019-05-15. Review status: criteria provided, single submitter. Criteria: Invitae Variant Classification Sherloc (09022015). Collection method: clinical testing. Allele origin: germline. Not counted in ClinVar's aggregate classification.
Comment: In summary, the available evidence is currently insufficient to determine the role of this variant in disease. Therefore, it has been classified as a Variant of Uncertain Significance. Experimental studies have shown that this variant disrupts mRNA splicing (PMID: 11793470). This variant has been observed in an individual affected with myotubular myopathy (PMID: 11793470). ClinVar contains an entry for this variant (Variation ID: 158926). This variant is not present in population databases (ExAC no frequency). This sequence change falls in intron 3 of the MTM1 gene. It does not directly change the encoded amino acid sequence of the MTM1 protein.

Genetic Services Laboratory, University of Chicago
Classification: Uncertain significance for Myotubular myopathy, X-linked. Last evaluated: 2013-08-29. Review status: criteria provided, single submitter. Criteria: ACMG Guidelines, 2007. Collection method: clinical testing. Allele origin: germline. Inheritance: X-linked inheritance. Not counted in ClinVar's aggregate classification.

Literature cited by the submitters: PubMed 11793470 (cited by Labcorp Genetics (formerly Invitae), Labcorp).

NM_000252.3(MTM1):c.137-7T>G

Gene: MTM1 (myotubularin 1; plus strand). Cytogenetic location: Xq28.
Variant type: single nucleotide variant.
Coding change: c.137-7T>G on transcript NM_000252.3 (MANE Select); 7 bases into the intron before coding-DNA position 137, T replaced by G.
Molecular consequence: intron variant.
Genome position (GRCh38, 1-based): chrX:150,598,585, T>G. VCF-style: chrX-150598585-T-G. GRCh37 (hg19) VCF-style: chrX-149767049-T-G.
Other names: c.137-7T>G (NM_001376908.1, NM_001376906.1, NM_001376907.1).
Identifiers: ClinVar variation 158926 (VCV000158926.17), dbSNP rs587783784, ClinGen allele CA271794.
Genomic context (GRCh38, chrX:150,598,585, plus strand): 5'-AGTGCCATTTGTTGTGTATCTTGGTATCTATTTCCATTATTTTAGGGTACTTTTTTTATC[T>G]TAATAGACAAAGAAGTTATTTACATATGTCCTTTCAATGGCCCCATTAAGGGAAGAGTTT-3'